The following is an entry in ClinVar:

NM_001283009.2(RTEL1):c.1266+3del

Genes: RTEL1 (regulator of telomere elongation helicase 1; plus strand), RTEL1-TNFRSF6B (RTEL1-TNFRSF6B readthrough (NMD candidate); plus strand). Cytogenetic location: 20q13.33.
Variant type: Deletion.
Coding change: c.1266+3del on transcript NM_001283009.2 (MANE Select); 3 bases into the intron after coding-DNA position 1266, one base deleted (A; older notation c.1266+3delA).
Molecular consequence: intron variant.
Genome position (GRCh38, 1-based): chr20:63,685,600, A deleted. VCF-style (leftmost placement, unchanged base first): chr20-63685599-TA-T. GRCh37 (hg19) VCF-style: chr20-62316952-TA-T.
Other names: c.597+3del (NM_001283010.1); c.1338+3del (NM_032957.5); c.1266+3del (NM_016434.4).
Identifiers: ClinVar variation 3760184 (VCV003760184.2).
Genomic context (GRCh38, chr20:63,685,599, plus strand): 5'-ACCCCTCCGAGGGCAGCCCTGGTTCCCCAGCAGGGCTGGGGGCCTTACAGTCCTATAAGG[TA>T]GGGGCCACCTCCAGGAGGCAGGTGGAGGGCAGCCCTTGTTCCCCGGCAGGGCTGGGGGCC-3'

ClinVar aggregate classification (germline): Uncertain significance (1 of 4 stars; one submission).

Conditions:
Dyskeratosis congenita, autosomal recessive 5 (DKCB5). Identifiers: MedGen C3554656, MONDO:0014076, OMIM 615190.
Pulmonary fibrosis and/or bone marrow failure, Telomere-related, 3. Also called: PULMONARY FIBROSIS AND/OR BONE MARROW FAILURE SYNDROME, TELOMERE-RELATED, 3. Identifiers: Orphanet 2032, MedGen C4225346, MONDO:0014613, OMIM 616373.

Submission:

Labcorp Genetics (formerly Invitae), Labcorp
Classification: Uncertain significance for Dyskeratosis congenita, autosomal recessive 5; Pulmonary fibrosis and/or bone marrow failure, Telomere-related, 3. Last evaluated: 2025-01-08. Review status: criteria provided, single submitter. Criteria: Invitae Variant Classification Sherloc (09022015). Collection method: clinical testing. Allele origin: germline.
Comment: This sequence change falls in intron 15 of the RTEL1 gene. It does not directly change the encoded amino acid sequence of the RTEL1 protein. It affects a nucleotide within the consensus splice site. This variant is not present in population databases (gnomAD no frequency). This variant has not been reported in the literature in individuals affected with RTEL1-related conditions. Variants that disrupt the consensus splice site are a relatively common cause of aberrant splicing (PMID: 17576681, 9536098). Algorithms developed to predict the effect of sequence changes on RNA splicing suggest that this variant may disrupt the consensus splice site. In summary, the available evidence is currently insufficient to determine the role of this variant in disease. Therefore, it has been classified as a Variant of Uncertain Significance.

Literature cited by the submitters: PubMed 17576681; PubMed 9536098.